The following is an entry in ClinVar:

NM_000089.4(COL1A2):c.1009G>T (p.Gly337Cys)

Gene: COL1A2 (collagen type I alpha 2 chain; plus strand). Cytogenetic location: 7q21.3.
Variant type: single nucleotide variant.
Coding change: c.1009G>T on transcript NM_000089.4 (MANE Select); coding-DNA position 1009, G replaced by T.
Protein change: p.Gly337Cys; replaces glycine 337 with cysteine.
Molecular consequence: missense variant.
Genome position (GRCh38, 1-based): chr7:94,409,795, G>T. VCF-style: chr7-94409795-G-T. GRCh37 (hg19) VCF-style: chr7-94039107-G-T.
Other names: short protein forms G337C.
Identifiers: ClinVar variation 2136562 (VCV002136562.4), dbSNP rs67865220, ClinGen allele CA162920401.

ClinVar aggregate classification (germline): Pathogenic (1 of 4 stars; one submission).

Conditions:
Ehlers-Danlos syndrome, classic type, 1 (EDSCL1). Also called: Ehlers-Danlos Syndrome, Classic Type, COL5A1-Related; EHLERS-DANLOS SYNDROME, GRAVIS TYPE; EHLERS-DANLOS SYNDROME, SEVERE CLASSIC TYPE; Ehlers-Danlos syndrome, type 1; EDS I. Identifiers: MedGen C0268335, MONDO:0019567, OMIM 130000.
Osteogenesis imperfecta type I (OI1). Also called: OI, TYPE I; OSTEOGENESIS IMPERFECTA TARDA; OSTEOGENESIS IMPERFECTA WITH BLUE SCLERAE; Osteogenesis imperfecta type 1; Classic Non-deforming Osteogenesis Imperfecta with Blue Sclerae; Lobstein's Disease. Identifiers: Orphanet 216796, Orphanet 666, MedGen C0023931, MONDO:0008146, OMIM 166200. Disease mechanism: loss of function.

Submission:

Labcorp Genetics (formerly Invitae), Labcorp
Classification: Pathogenic for Osteogenesis imperfecta type I; Ehlers-Danlos syndrome, classic type, 1. Last evaluated: 2022-09-13. Review status: criteria provided, single submitter. Criteria: Invitae Variant Classification Sherloc (09022015). Collection method: clinical testing. Allele origin: germline.
Comment: This variant disrupts the p.Gly337 amino acid residue in COL1A2. Other variant(s) that disrupt this residue have been observed in individuals with COL1A2-related conditions (PMID: 27509835), which suggests that this may be a clinically significant amino acid residue. This sequence change replaces glycine, which is neutral and non-polar, with cysteine, which is neutral and slightly polar, at codon 337 of the COL1A2 protein (p.Gly337Cys). This variant is not present in population databases (gnomAD no frequency). This missense change has been observed in individual(s) with autosomal dominant osteogenesis imperfecta (PMID: 22589248, 27509835). Advanced modeling of protein sequence and biophysical properties (such as structural, functional, and spatial information, amino acid conservation, physicochemical variation, residue mobility, and thermodynamic stability) performed at Invitae indicates that this missense variant is expected to disrupt COL1A2 protein function. This variant disrupts the triple helix domain of COL1A2. Glycine residues within the Gly-Xaa-Yaa repeats of the triple helix domain are required for the structure and stability of fibrillar collagens (PMID: 7695699, 8218237, 19344236). In COL1A2, variants affecting these glycine residues are significantly enriched in individuals with disease (PMID: 9016532, 17078022) compared to the general population (ExAC). For these reasons, this variant has been classified as Pathogenic.

Literature cited by the submitters: PubMed 27509835; PubMed 22589248; PubMed 7695699; PubMed 8218237; PubMed 19344236; PubMed 9016532; PubMed 17078022.